The following is an entry in ClinVar:

ClinVar aggregate classification (germline): Uncertain significance (1 of 4 stars; one submission).

Submission:

Labcorp Genetics (formerly Invitae), Labcorp
Classification: Uncertain significance. Last evaluated: 2022-05-04. Review status: criteria provided, single submitter. Criteria: Invitae Variant Classification Sherloc (09022015). Collection method: clinical testing. Allele origin: germline.
Comment: In summary, the available evidence is currently insufficient to determine the role of this variant in disease. Therefore, it has been classified as a Variant of Uncertain Significance. Experimental studies and prediction algorithms are not available or were not evaluated, and the effect of this variant on mRNA splicing is currently unknown. This variant has not been reported in the literature in individuals affected with ANXA11-related conditions. Information on the frequency of this variant in the gnomAD database is not available, as this variant may be reported differently in the database. This sequence change falls in intron 11 of the ANXA11 gene. It does not directly change the encoded amino acid sequence of the ANXA11 protein.

NM_145868.2(ANXA11):c.1181-6_1181-5delinsTT

Genes: ANXA11 (annexin A11; minus strand), LOC126860977 (CDK7 strongly-dependent group 2 enhancer GRCh37_chr10:81917938-81919137; plus strand). Cytogenetic location: 10q22.3.
Variant type: Indel.
Coding change: c.1181-6_1181-5delinsTT on transcript NM_145868.2 (MANE Select); 6 bases into the intron before coding-DNA position 1181 through 5 bases into the intron before coding-DNA position 1181, CC replaced by TT.
Molecular consequence: intron variant.
Genome position (GRCh38, 1-based): chr10:80,159,200-80,159,201, GG replaced by AA on the plus strand (CC replaced by TT on the coding strand, the reverse complement: ANXA11 is on the minus strand). VCF-style: chr10-80159200-GG-AA. GRCh37 (hg19) VCF-style: chr10-81918956-GG-AA.
Other names: c.1181-6_1181-5delinsTT (NM_001278407.2, NM_001157.3, NM_145869.2 and 1 more transcripts); c.1082-6_1082-5delinsTT (NM_001278409.2).
Identifiers: ClinVar variation 1972889 (VCV001972889.5), dbSNP rs2492565733, ClinGen allele CA2580082036.